The following is an entry in ClinVar:

NM_020975.6(RET):c.15G>C (p.Thr5=)

Genes: RET (ret proto-oncogene; plus strand), LOC106736614 (RET 5' regulatory region; plus strand). Cytogenetic location: 10q11.21.
Variant type: single nucleotide variant.
Coding change: c.15G>C on transcript NM_020975.6 (MANE Select); coding-DNA position 15, G replaced by C.
Protein change: p.Thr5=; no amino-acid change (threonine 5 retained).
Molecular consequence: synonymous variant.
Genome position (GRCh38, 1-based): chr10:43,077,273, G>C. VCF-style: chr10-43077273-G-C. GRCh37 (hg19) VCF-style: chr10-43572721-G-C.
Other names: c.15G>C, p.Thr5= (NM_000323.2, NM_001406743.1, NM_001406744.1 and 38 more transcripts).
Identifiers: ClinVar variation 819613 (VCV000819613.17), dbSNP rs1226499208, ClinGen allele CA469274808.

ClinVar aggregate classification (germline): Conflicting classifications of pathogenicity. Review status: criteria provided, conflicting classifications (1 of 4 stars). 5 submissions from 5 submitters: Uncertain significance (1); Likely benign (4). Last evaluated 2025-08-24.

Conditions:
Multiple endocrine neoplasia, type 2 (MEN2). Identifiers: Orphanet 653, MedGen C4048306, MONDO:0019003. Disease mechanism: gain of function.
Hereditary cancer-predisposing syndrome. Also called: Neoplastic Syndromes, Hereditary; Tumor predisposition; Hereditary Cancer Syndrome; Hereditary neoplastic syndrome. Identifiers: Orphanet 140162, MedGen C0027672, MeSH D009386, MONDO:0015356.

Allele frequency attached by ClinVar (database versions not stated): TOPMed below 0.00001; gnomAD 0.00001.

Submissions (5):

Labcorp Genetics (formerly Invitae), Labcorp
Classification: Likely benign for Multiple endocrine neoplasia, type 2. Last evaluated: 2025-08-24. Review status: criteria provided, single submitter. Criteria: Invitae Variant Classification Sherloc (09022015). Collection method: clinical testing. Allele origin: germline.

GeneDx
Classification: Uncertain significance. Last evaluated: 2024-04-01. Review status: criteria provided, single submitter. Criteria: GeneDx Variant Classification Process June 2021. Collection method: clinical testing. Allele origin: germline. Affected: yes.
Comment: Not observed at significant frequency in large population cohorts (gnomAD); In silico analysis supports that this variant does not alter splicing; Has not been previously published as pathogenic or benign to our knowledge

Blueprint Genetics
Classification: Likely benign. Last evaluated: 2024-03-18. Review status: criteria provided, single submitter. Criteria: ACMG Guidelines, 2015. Collection method: clinical testing. Allele origin: germline.

All of Us Research Program, National Institutes of Health
Classification: Likely benign for Multiple endocrine neoplasia, type 2. Last evaluated: 2023-12-18. Review status: criteria provided, single submitter. Criteria: ACMG Guidelines, 2015. Collection method: clinical testing. Allele origin: germline. Inheritance: Autosomal dominant inheritance. Observed: 2 variant alleles, 2 heterozygotes.
Comment: This study involves interpretation of variants in research participants for the purpose of population health screening. Participant phenotype was not available at the time of variant classification. Additional details can be found in publication PMID: 35346344, PMCID: PMC8962531

Ambry Genetics
Classification: Likely benign for Hereditary cancer-predisposing syndrome. Last evaluated: 2018-06-20. Review status: criteria provided, single submitter. Criteria: Ambry Variant Classification Scheme 2023. Collection method: clinical testing. Allele origin: germline.